The following is an entry in ClinVar:

ClinVar aggregate classification (germline): Likely benign. Review status: criteria provided, single submitter (1 of 4 stars). 2 submissions from 2 submitters: Likely benign (1). 1 of the submissions does not count toward it. Last evaluated 2026-02-02.

Conditions:
AMPD1-related disorder. Also called: AMPD1-related condition.
Muscle AMP deaminase deficiency (MMDD). Also called: AMPD1 DEFICIENCY; ADENOSINE MONOPHOSPHATE DEAMINASE-1 DEFICIENCY, MYOPATHY DUE TO; Myoadenylate deaminase deficiency, myopathy due to; Adenosine monophosphate deaminase 1 deficiency; AMP deaminase 1 deficiency; Adenosine Monophosphate Deaminase 1. Identifiers: Orphanet 45, MedGen C3714933, MONDO:0014220, OMIM 615511.

Allele frequency attached by ClinVar (database versions not stated): TOPMed 0.00001; ESP Exome Variant Server 0.00008.
gnomAD v4.1: 40 of 1,614,086 alleles (0.0025%); highest among the groups gnomAD compares: Non-Finnish European, 0.0031%; no homozygotes.

Submissions (2):

Labcorp Genetics (formerly Invitae), Labcorp
Classification: Likely benign for Muscle AMP deaminase deficiency. Last evaluated: 2026-02-02. Review status: criteria provided, single submitter. Criteria: Invitae Variant Classification Sherloc (09022015). Collection method: clinical testing. Allele origin: germline.

PreventionGenetics, part of Exact Sciences
Classification: Likely benign for AMPD1-related condition. Last evaluated: 2023-12-01. Review status: no assertion criteria provided. Collection method: clinical testing. Allele origin: germline. Not counted in ClinVar's aggregate classification.
Comment: This variant is classified as likely benign based on ACMG/AMP sequence variant interpretation guidelines (Richards et al. 2015 PMID: 25741868, with internal and published modifications).

NM_000036.3(AMPD1):c.174A>T (p.Ile58=)

Gene: AMPD1 (adenosine monophosphate deaminase 1; minus strand). Cytogenetic location: 1p13.2.
Variant type: single nucleotide variant.
Coding change: c.174A>T on transcript NM_000036.3 (MANE Select); coding-DNA position 174, A replaced by T.
Protein change: p.Ile58=; no amino-acid change (isoleucine 58 retained).
Molecular consequence: synonymous variant.
Genome position (GRCh38, 1-based): chr1:114,688,602, T>A on the plus strand (A>T on the coding strand, the complement: AMPD1 is on the minus strand). VCF-style: chr1-114688602-T-A. GRCh37 (hg19) VCF-style: chr1-115231223-T-A.
Other names: c.162A>T, p.Ile54= (NM_001172626.2); c.273A>T (NM_000036.2).
Identifiers: ClinVar variation 1579696 (VCV001579696.10), dbSNP rs375898522, ClinGen allele CA1020541.